The following is an entry in ClinVar:

ClinVar aggregate classification (germline): Conflicting classifications of pathogenicity. Review status: criteria provided, conflicting classifications (1 of 4 stars). 3 submissions from 3 submitters: Uncertain significance (2); Benign (1). Last evaluated 2025-10-14.

Conditions:
Hereditary cancer-predisposing syndrome. Also called: Tumor predisposition; Hereditary Cancer Syndrome; Neoplastic Syndromes, Hereditary; Hereditary neoplastic syndrome. Identifiers: Orphanet 140162, MedGen C0027672, MeSH D009386, MONDO:0015356.
Familial adenomatous polyposis 2. Also called: COLORECTAL ADENOMATOUS POLYPOSIS, AUTOSOMAL RECESSIVE; FAP type 2; MUTYH-associated polyposis; MUTYH Polyposis; Adenomas, multiple colorectal; ADENOMAS, MULTIPLE COLORECTAL, AUTOSOMAL RECESSIVE. Identifiers: Orphanet 220460, Orphanet 247798, MedGen C3272841, MONDO:0012041, OMIM 608456.

Allele frequency attached by ClinVar (database versions not stated): gnomAD exomes 0.00001; TOPMed below 0.00001; ExAC 0.00001.
gnomAD v4.1: 2 of 1,614,106 alleles (0.00012%); highest among the groups gnomAD compares: East Asian, 0.0022%; no homozygotes.

Submissions (3):

Labcorp Genetics (formerly Invitae), Labcorp
Classification: Uncertain significance for Familial adenomatous polyposis 2. Last evaluated: 2025-10-14. Review status: criteria provided, single submitter. Criteria: Invitae Variant Classification Sherloc (09022015). Collection method: clinical testing. Allele origin: germline.
Comment: This sequence change replaces proline, which is neutral and non-polar, with serine, which is neutral and polar, at codon 366 of the MUTYH protein (p.Pro366Ser). This variant is present in population databases (rs267598622, gnomAD 0.006%). This missense change has been observed in individual(s) with MUTYH-associated polyposis (PMID: 27443514). ClinVar contains an entry for this variant (Variation ID: 73819). An algorithm developed to predict the effect of missense changes on protein structure and function (PolyPhen-2) suggests that this variant is likely to be tolerated. In summary, the available evidence is currently insufficient to determine the role of this variant in disease. Therefore, it has been classified as a Variant of Uncertain Significance.

Ambry Genetics
Classification: Benign for Hereditary cancer-predisposing syndrome. Last evaluated: 2025-09-09. Review status: criteria provided, single submitter. Criteria: Ambry Variant Classification Scheme 2023. Collection method: clinical testing. Allele origin: germline.

All of Us Research Program, National Institutes of Health
Classification: Uncertain significance for Familial adenomatous polyposis 2. Last evaluated: 2024-05-30. Review status: criteria provided, single submitter. Criteria: ACMG Guidelines, 2015. Collection method: clinical testing. Allele origin: germline. Inheritance: Autosomal recessive inheritance. Observed: 2 variant alleles, 2 heterozygotes.
Comment: This missense variant replaces proline with serine at codon 366 of the MUTYH protein. Computational prediction suggests that this variant may not impact protein structure and function (internally defined REVEL score threshold <= 0.5, PMID: 27666373). To our knowledge, functional studies have not been reported for this variant. This variant has been reported in an individual affected with endometrial carcinoma (PMID: 27443514). This variant has been identified in 2/250148 chromosomes in the general population by the Genome Aggregation Database (gnomAD). The available evidence is insufficient to determine the role of this variant in disease conclusively. Therefore, this variant is classified as a Variant of Uncertain Significance.

This study involves interpretation of variants in research participants for the purpose of population health screening. Participant phenotype was not available at the time of variant classification. Additional details can be found in publication PMID: 35346344, PMCID: PMC8962531

Literature cited by the submitters: PubMed 27443514 (cited by 3 submitters); PubMed 40738107 (cited by Ambry Genetics).

NM_001048174.2(MUTYH):c.1012C>T (p.Pro338Ser)

Gene: MUTYH (mutY DNA glycosylase; minus strand). Cytogenetic location: 1p34.1.
Variant type: single nucleotide variant.
Coding change: c.1012C>T on transcript NM_001048174.2 (MANE Select); coding-DNA position 1012, C replaced by T.
Protein change: p.Pro338Ser; replaces proline 338 with serine.
Molecular consequence: missense variant. On other transcripts: non-coding transcript variant (2).
Genome position (GRCh38, 1-based): chr1:45,331,751, G>A on the plus strand (C>T on the coding strand, the complement: MUTYH is on the minus strand). VCF-style: chr1-45331751-G-A. GRCh37 (hg19) VCF-style: chr1-45797423-G-A.
Other names: c.1012C>T, p.Pro338Ser (NM_001048171.2, NM_001048173.2, NM_001293195.2); c.1015C>T, p.Pro339Ser (NM_001048172.2); c.1096C>T, p.Pro366Ser (NM_001128425.2); c.1057C>T, p.Pro353Ser (NM_001293190.2); c.1045C>T, p.Pro349Ser (NM_001293191.2); c.736C>T, p.Pro246Ser (NM_001293192.2, NM_001293196.2); c.667C>T, p.Pro223Ser (NM_001350650.2, NM_001350651.2); c.1087C>T, p.Pro363Ser (NM_012222.3); short protein forms P366S, P338S, P339S, P363S, P223S, P246S, P353S, P349S.
Identifiers: ClinVar variation 73819 (VCV000073819.15), dbSNP rs267598622, ClinGen allele CA055070.